The following is an entry in ClinVar:

ClinVar aggregate classification (germline): Uncertain significance (1 of 4 stars; one submission).

Submission:

Labcorp Genetics (formerly Invitae), Labcorp
Classification: Uncertain significance. Last evaluated: 2025-10-01. Review status: criteria provided, single submitter. Criteria: Invitae Variant Classification Sherloc (09022015). Collection method: clinical testing. Allele origin: germline.
Comment: This sequence change replaces asparagine, which is neutral and polar, with aspartic acid, which is acidic and polar, at codon 483 of the AGBL5 protein (p.Asn483Asp). This variant is not present in population databases (gnomAD no frequency). This variant has not been reported in the literature in individuals affected with AGBL5-related conditions. ClinVar contains an entry for this variant (Variation ID: 1503743). An algorithm developed to predict the effect of missense changes on protein structure and function (PolyPhen-2) suggests that this variant is likely to be disruptive. In summary, the available evidence is currently insufficient to determine the role of this variant in disease. Therefore, it has been classified as a Variant of Uncertain Significance.

NM_021831.6(AGBL5):c.1447A>G (p.Asn483Asp)

Gene: AGBL5 (AGBL carboxypeptidase 5; plus strand). Cytogenetic location: 2p23.3.
Variant type: single nucleotide variant.
Coding change: c.1447A>G on transcript NM_021831.6 (MANE Select); coding-DNA position 1447, A replaced by G.
Protein change: p.Asn483Asp; replaces asparagine 483 with aspartic acid.
Molecular consequence: missense variant. On other transcripts: non-coding transcript variant (2).
Genome position (GRCh38, 1-based): chr2:27,056,704, A>G. VCF-style: chr2-27056704-A-G. GRCh37 (hg19) VCF-style: chr2-27279572-A-G.
Other names: c.1447A>G, p.Asn483Asp (NM_001035507.3); short protein forms N483D.
Identifiers: ClinVar variation 1503743 (VCV001503743.6), dbSNP rs2148278770, ClinGen allele CA346182456.